The following is an entry in ClinVar:

NM_000117.3(EMD):c.235A>G (p.Lys79Glu)

Gene: EMD (emerin; plus strand). Cytogenetic location: Xq28.
Variant type: single nucleotide variant.
Coding change: c.235A>G on transcript NM_000117.3 (MANE Select); coding-DNA position 235, A replaced by G.
Protein change: p.Lys79Glu; replaces lysine 79 with glutamic acid.
Molecular consequence: missense variant.
Genome position (GRCh38, 1-based): chrX:154,379,989, A>G. VCF-style: chrX-154379989-A-G. GRCh37 (hg19) VCF-style: chrX-153608349-A-G.
Other names: short protein forms K79E.
Identifiers: ClinVar variation 2105782 (VCV002105782.4), dbSNP rs2522788313, ClinGen allele CA415257692.

ClinVar aggregate classification (germline): Uncertain significance (1 of 4 stars; one submission).

Conditions:
X-linked Emery-Dreifuss muscular dystrophy. Also called: Muscular dystrophy, tardive Emery-Dreifuss type, with contractures. Identifiers: Orphanet 261, Orphanet 98863, MedGen C0751337, MONDO:0010680.

Submission:

Labcorp Genetics (formerly Invitae), Labcorp
Classification: Uncertain significance for X-linked Emery-Dreifuss muscular dystrophy. Last evaluated: 2022-05-18. Review status: criteria provided, single submitter. Criteria: Invitae Variant Classification Sherloc (09022015). Collection method: clinical testing. Allele origin: germline.
Comment: This sequence change replaces lysine, which is basic and polar, with glutamic acid, which is acidic and polar, at codon 79 of the EMD protein (p.Lys79Glu). This variant is not present in population databases (gnomAD no frequency). This variant has not been reported in the literature in individuals affected with EMD-related conditions. Algorithms developed to predict the effect of missense changes on protein structure and function are either unavailable or do not agree on the potential impact of this missense change (SIFT: "Tolerated"; PolyPhen-2: "Possibly Damaging"; Align-GVGD: "Class C0"). In summary, the available evidence is currently insufficient to determine the role of this variant in disease. Therefore, it has been classified as a Variant of Uncertain Significance.